The following is an entry in ClinVar:

NM_000219.6(KCNE1):c.41C>A (p.Thr14Asn)

Gene: KCNE1 (potassium voltage-gated channel subfamily E regulatory subunit 1; minus strand). Cytogenetic location: 21q22.12.
Variant type: single nucleotide variant.
Coding change: c.41C>A on transcript NM_000219.6 (MANE Select); coding-DNA position 41, C replaced by A.
Protein change: p.Thr14Asn; replaces threonine 14 with asparagine.
Molecular consequence: missense variant.
Genome position (GRCh38, 1-based): chr21:34,449,594, G>T on the plus strand (C>A on the coding strand, the complement: KCNE1 is on the minus strand). VCF-style: chr21-34449594-G-T. GRCh37 (hg19) VCF-style: chr21-35821892-G-T.
Other names: c.41C>A, p.Thr14Asn (NM_001127668.4, NM_001127669.4, NM_001127670.4 and 4 more transcripts); short protein forms T14N.
Identifiers: ClinVar variation 3373886 (VCV003373886.2).
Genomic context (GRCh38, chr21:34,449,594, plus strand): 5'-GACCTGCGGGCCAGGCCCGACATGTTGCCACCCTGCTGAACTGTCTCCTGCCACAGCTTG[G>T]TCAGAAAGGGCGTCACCGCTGTGGTGTTAGACAGGATCATCCTGGGCATTAAGGTTCCAC-3'
Protein context (NP_000210.2, residues 4-24): SNTTAVTPFL[Thr14Asn]KLWQETVQQG

Conditions:
Long QT syndrome 5 (LQT5). Identifiers: Orphanet 101016, Orphanet 768, MedGen C1867904, MONDO:0013372, OMIM 613695.

Submission:

Roden Lab, Vanderbilt University Medical Center
No classification provided (evidence only). Condition: Long QT syndrome 5. Review status: no classification provided. Collection method: in vitro. Allele origin: not applicable. Functional consequence: Effect on ion channel function.
ClinVar note: "not provided" was previously submitted as the classification for the variant. However, the classification appeared to be based only on an observation of functional data so it was converted to no classification on 2025-07-30.